The following is an entry in ClinVar:

NM_015335.5(MED13L):c.1691G>A (p.Arg564Gln)

Gene: MED13L (mediator complex subunit 13L; minus strand). Cytogenetic location: 12q24.21.
Variant type: single nucleotide variant.
Coding change: c.1691G>A on transcript NM_015335.5 (MANE Select); coding-DNA position 1691, G replaced by A.
Protein change: p.Arg564Gln; replaces arginine 564 with glutamine.
Molecular consequence: missense variant.
Genome position (GRCh38, 1-based): chr12:116,008,722, C>T on the plus strand (G>A on the coding strand, the complement: MED13L is on the minus strand). VCF-style: chr12-116008722-C-T. GRCh37 (hg19) VCF-style: chr12-116446527-C-T.
Other names: short protein forms R564Q.
Identifiers: ClinVar variation 3666237 (VCV003666237.2).

ClinVar aggregate classification (germline): Uncertain significance (1 of 4 stars; one submission).

Conditions:
Dextro-looped transposition of the great arteries. Also called: Dextrotransposition of the great arteries. Identifiers: Orphanet 860, MedGen C3531771, MONDO:0019443, OMIM 608808, HP:0031348.

gnomAD v4.1: 13 of 1,613,816 alleles (0.00081%); highest among the groups gnomAD compares: Admixed American, 0.0017%; no homozygotes.

Submission:

Labcorp Genetics (formerly Invitae), Labcorp
Classification: Uncertain significance for Dextro-looped transposition of the great arteries. Last evaluated: 2024-11-13. Review status: criteria provided, single submitter. Criteria: Invitae Variant Classification Sherloc (09022015). Collection method: clinical testing. Allele origin: germline.
Comment: This sequence change replaces arginine, which is basic and polar, with glutamine, which is neutral and polar, at codon 564 of the MED13L protein (p.Arg564Gln). This variant is present in population databases (rs753461956, gnomAD 0.004%). This variant has not been reported in the literature in individuals affected with MED13L-related conditions. Invitae Evidence Modeling of protein sequence and biophysical properties (such as structural, functional, and spatial information, amino acid conservation, physicochemical variation, residue mobility, and thermodynamic stability) indicates that this missense variant is not expected to disrupt MED13L protein function with a negative predictive value of 80%. In summary, the available evidence is currently insufficient to determine the role of this variant in disease. Therefore, it has been classified as a Variant of Uncertain Significance.